The following is an entry in ClinVar:

ClinVar aggregate classification (germline): Likely benign. Review status: criteria provided, multiple submitters, no conflicts (2 of 4 stars). 2 submissions from 2 submitters: Likely benign (2). Last evaluated 2018-01-12.

Conditions:
Imerslund-Grasbeck syndrome type 1 (IGS1). Also called: Megaloblastic anemia 1, Finnish type; MEGALOBLASTIC ANEMIA, 1; Imerslund-Gräsbeck syndrome 1. Identifiers: MedGen C4016819, MONDO:0100156, OMIM 261100.

Allele frequency attached by ClinVar (database versions not stated): 1000 Genomes Project 30x 0.00219; 1000 Genomes Project 0.00220; TOPMed 0.00359.

Submissions (2):

Illumina Laboratory Services, Illumina
Classification: Likely benign for Imerslund-Grasbeck syndrome type 1. Last evaluated: 2018-01-12. Review status: criteria provided, single submitter. Criteria: ICSL Variant Classification Criteria 13 December 2019. Collection method: clinical testing. Allele origin: germline.
Comment: This variant was observed in the ICSL laboratory as part of a predisposition screen in an ostensibly healthy population. It had not been previously curated by ICSL or reported in the Human Gene Mutation Database (HGMD: prior to June 1st, 2018), and was therefore a candidate for classification through an automated scoring system. Utilizing variant allele frequency, disease prevalence and penetrance estimates, and inheritance mode, an automated score was calculated to assess if this variant is too frequent to cause the disease. Based on the score and internal cut-off values, a variant classified as likely benign is not then subjected to further curation. The score for this variant resulted in a classification of likely benign for this disease.

Breakthrough Genomics
Classification: Likely benign. Review status: criteria provided, single submitter. Criteria: ACMG Guidelines, 2015. Collection method: not provided. Allele origin: germline. Inheritance: Autosomal recessive inheritance. Affected: yes.

NM_001081.4(CUBN):c.*330G>C

Gene: CUBN (cubilin; minus strand). Cytogenetic location: 10p13.
Variant type: single nucleotide variant.
Coding change: c.*330G>C on transcript NM_001081.4 (MANE Select); 330 bases downstream of the stop codon, G replaced by C.
Molecular consequence: 3 prime UTR variant.
Genome position (GRCh38, 1-based): chr10:16,824,645, C>G on the plus strand (G>C on the coding strand, the complement: CUBN is on the minus strand). VCF-style: chr10-16824645-C-G. GRCh37 (hg19) VCF-style: chr10-16866644-C-G.
Identifiers: ClinVar variation 299339 (VCV000299339.6), dbSNP rs181630914, ClinGen allele CA10628268.